The following is an entry in ClinVar:

ClinVar aggregate classification (germline): Uncertain significance (1 of 4 stars; one submission).

gnomAD v4.1: 2 of 1,607,054 alleles (0.00012%); highest among the groups gnomAD compares: Middle Eastern, 0.017%; no homozygotes.

Submission:

Labcorp Genetics (formerly Invitae), Labcorp
Classification: Uncertain significance. Last evaluated: 2025-07-30. Review status: criteria provided, single submitter. Criteria: Invitae Variant Classification Sherloc (09022015). Collection method: clinical testing. Allele origin: germline.
Comment: This sequence change replaces leucine, which is neutral and non-polar, with phenylalanine, which is neutral and non-polar, at codon 815 of the WFS1 protein (p.Leu815Phe). This variant is present in population databases (no rsID available, gnomAD no frequency). This variant has not been reported in the literature in individuals affected with WFS1-related conditions. Invitae Evidence Modeling of protein sequence and biophysical properties (such as structural, functional, and spatial information, amino acid conservation, physicochemical variation, residue mobility, and thermodynamic stability) has been performed for this missense variant. However, the output from this modeling did not meet the statistical confidence thresholds required to predict the impact of this variant on WFS1 protein function. In summary, the available evidence is currently insufficient to determine the role of this variant in disease. Therefore, it has been classified as a Variant of Uncertain Significance.

NM_006005.3(WFS1):c.2443C>T (p.Leu815Phe)

Gene: WFS1 (wolframin ER transmembrane glycoprotein; plus strand). Cytogenetic location: 4p16.1.
Variant type: single nucleotide variant.
Coding change: c.2443C>T on transcript NM_006005.3 (MANE Select); coding-DNA position 2443, C replaced by T.
Protein change: p.Leu815Phe; replaces leucine 815 with phenylalanine.
Molecular consequence: missense variant.
Genome position (GRCh38, 1-based): chr4:6,302,238, C>T. VCF-style: chr4-6302238-C-T. GRCh37 (hg19) VCF-style: chr4-6303965-C-T.
Other names: c.2443C>T, p.Leu815Phe (NM_001145853.1); short protein forms L815F.
Identifiers: ClinVar variation 4771573 (VCV004771573.1).